The following is an entry in ClinVar:

NM_001242896.3(DEPDC5):c.364-1G>C

Gene: DEPDC5 (DEP domain containing 5, GATOR1 subcomplex subunit; plus strand). Cytogenetic location: 22q12.2.
Variant type: single nucleotide variant.
Coding change: c.364-1G>C on transcript NM_001242896.3 (MANE Select); the canonical splice acceptor site of the intron before coding-DNA position 364, G replaced by C.
Molecular consequence: splice acceptor variant.
Genome position (GRCh38, 1-based): chr22:31,768,813, G>C. VCF-style: chr22-31768813-G-C. GRCh37 (hg19) VCF-style: chr22-32164799-G-C.
Other names: c.364-1G>C (NM_001364318.2, NM_001136029.4, NM_014662.6 and 7 more transcripts); c.280-1G>C (NM_001369902.1, NM_001369901.1).
Identifiers: ClinVar variation 2630261 (VCV002630261.1), dbSNP rs2083056830, ClinGen allele CA411283201.
Genomic context (GRCh38, chr22:31,768,813, plus strand): 5'-TCTCTTTCTCACCCTCTCTCCCTCCCTCCCTCTCTCTACCCCTCTCTCCCCCTCCTCTTA[G>C]GTCAGCACATGTGCCTATATCACCCAGAAGGTGGAGTTTGCTGGCATCAGGTAGATATTA-3'

ClinVar aggregate classification (germline): Likely pathogenic (1 of 4 stars; one submission).

Conditions:
DEPDC5-related disorder. Also called: DEPDC5-related related disorder; DEPDC5-related condition.

Submission:

PreventionGenetics, part of Exact Sciences
Classification: Likely pathogenic for DEPDC5-related condition. Last evaluated: 2023-01-30. Review status: criteria provided, single submitter. Criteria: ACMG Guidelines, 2015. Collection method: clinical testing. Allele origin: germline.
Comment: The DEPDC5 c.364-1G>C variant is predicted to disrupt the AG splice acceptor site and interfere with normal splicing. To our knowledge, this variant has not been reported in the literature or in a large population database, indicating this variant is rare. Variants that disrupt the consensus splice acceptor site in DEPDC5 are expected to be pathogenic. This variant is interpreted as likely pathogenic.